The following is an entry in ClinVar:

NM_000020.3(ACVRL1):c.1049-1G>T

Gene: ACVRL1 (activin A receptor like type 1; plus strand). Cytogenetic location: 12q13.13.
Variant type: single nucleotide variant.
Coding change: c.1049-1G>T on transcript NM_000020.3 (MANE Select); the canonical splice acceptor site of the intron before coding-DNA position 1049, G replaced by T.
Molecular consequence: splice acceptor variant. On other transcripts: intron variant (1).
Genome position (GRCh38, 1-based): chr12:51,916,035, G>T. VCF-style: chr12-51916035-G-T. GRCh37 (hg19) VCF-style: chr12-52309819-G-T.
Other names: c.1049-1G>T (NM_001406487.1, NM_001406488.1, NM_001077401.2 and 1 more transcripts); c.737-1G>T (NM_001406491.1, NM_001406490.1, NM_001406492.1 and 1 more transcripts); c.736+535G>T (NM_001406494.1); c.485-1G>T (NM_001406495.1).
Identifiers: ClinVar variation 1506785 (VCV001506785.8), dbSNP rs1060503242, ClinGen allele CA384901953.

ClinVar aggregate classification (germline): Likely pathogenic (1 of 4 stars; one submission).

Conditions:
Telangiectasia, hereditary hemorrhagic, type 2 (HHT2). Also called: ACVRL1-Related Hereditary Hemorrhagic Telangiectasia; Telangiectasia, hereditary hemorrhagic, type II. Identifiers: Orphanet 774, MedGen C1838163, MONDO:0010880, OMIM 600376. Disease mechanism: loss of function.

Submission:

Labcorp Genetics (formerly Invitae), Labcorp
Classification: Likely pathogenic for Telangiectasia, hereditary hemorrhagic, type 2. Last evaluated: 2020-12-25. Review status: criteria provided, single submitter. Criteria: Invitae Variant Classification Sherloc (09022015). Collection method: clinical testing. Allele origin: germline.
Comment: This sequence change affects an acceptor splice site in intron 7 of the ACVRL1 gene. It is expected to disrupt RNA splicing. Variants that disrupt the donor or acceptor splice site typically lead to a loss of protein function (PMID: 16199547), and loss-of-function variants in ACVRL1 are known to be pathogenic (PMID: 15879500). This variant is not present in population databases (ExAC no frequency). This variant has not been reported in the literature in individuals with ACVRL1-related conditions. Algorithms developed to predict the effect of sequence changes on RNA splicing suggest that this variant may disrupt the consensus splice site, but this prediction has not been confirmed by published transcriptional studies. In summary, the currently available evidence indicates that the variant is pathogenic, but additional data are needed to prove that conclusively. Therefore, this variant has been classified as Likely Pathogenic.

Literature cited by the submitters: PubMed 16199547; PubMed 15879500.